The following is an entry in ClinVar:

ClinVar aggregate classification (germline): Benign. Review status: criteria provided, multiple submitters, no conflicts (2 of 4 stars). 2 submissions from 2 submitters: Benign (2). Last evaluated 2018-06-16.

Allele frequency attached by ClinVar (database versions not stated): 1000 Genomes Project 0.11941; 1000 Genomes Project 30x 0.12320; TOPMed 0.14144.
gnomAD v4.1: 51,920 of 565,366 alleles (9.2%); highest among the groups gnomAD compares: African/African-American, 27%; 3,653 homozygotes.

Submissions (2):

GeneDx
Classification: Benign. Last evaluated: 2018-06-16. Review status: criteria provided, single submitter. Criteria: GeneDx Variant Classification (06012015). Collection method: clinical testing. Allele origin: germline. Affected: yes.
Comment: This variant is considered likely benign or benign based on one or more of the following criteria: it is a conservative change, it occurs at a poorly conserved position in the protein, it is predicted to be benign by multiple in silico algorithms, and/or has population frequency not consistent with disease.

Breakthrough Genomics
Classification: Benign. Review status: criteria provided, single submitter. Criteria: ACMG Guidelines, 2015. Collection method: not provided. Allele origin: germline. Inheritance: Autosomal recessive inheritance. Affected: yes.

NM_000925.4(PDHB):c.304-237A>C

Gene: PDHB (pyruvate dehydrogenase E1 subunit beta; minus strand). Cytogenetic location: 3p14.3.
Variant type: single nucleotide variant.
Coding change: c.304-237A>C on transcript NM_000925.4 (MANE Select); 237 bases into the intron before coding-DNA position 304, A replaced by C.
Molecular consequence: intron variant.
Genome position (GRCh38, 1-based): chr3:58,431,179, T>G on the plus strand (A>C on the coding strand, the complement: PDHB is on the minus strand). VCF-style: chr3-58431179-T-G. GRCh37 (hg19) VCF-style: chr3-58416906-T-G.
Other names: c.250-237A>C (NM_001315536.2); c.304-237A>C (NM_001173468.2).
Identifiers: ClinVar variation 673798 (VCV000673798.2), dbSNP rs7636609, ClinGen allele CA75457341.
Genomic context (GRCh38, chr3:58,431,179, plus strand): 5'-CTGCAGCCTCTAACTCCTAGGCTCAAGTAATCCTTCCTCAGCATCCCGAGTAGCTGGGAC[T>G]GCAGGCAAGCACCACCACATCTACCTACTTGGTATTTTTTTTTTTTCCCAAATGATGTTT-3'